The following is an entry in ClinVar:

ClinVar aggregate classification (germline): Uncertain significance. Review status: criteria provided, single submitter (1 of 4 stars). 2 submissions from 2 submitters: Uncertain significance (1). 1 of the submissions does not count toward it. Last evaluated 2022-08-31.

Conditions:
Glycine encephalopathy. Also called: Non-ketotic hyperglycinemia; Nonketotic hyperglycinemia. Identifiers: Orphanet 407, MedGen C0751748, MONDO:0011612, HP:0008288.

Allele frequency attached by ClinVar (database versions not stated): gnomAD exomes 0.00002; ExAC 0.00004; gnomAD 0.00001; TOPMed 0.00001.
gnomAD v4.1: 12 of 1,610,300 alleles (0.00075%); highest among the groups gnomAD compares: South Asian, 0.0077%; no homozygotes.

Submissions (2):

Labcorp Genetics (formerly Invitae), Labcorp
Classification: Uncertain significance for Glycine encephalopathy. Last evaluated: 2022-08-31. Review status: criteria provided, single submitter. Criteria: Invitae Variant Classification Sherloc (09022015). Collection method: clinical testing. Allele origin: germline.
Comment: This sequence change replaces arginine, which is basic and polar, with threonine, which is neutral and polar, at codon 506 of the GLDC protein (p.Arg506Thr). This variant is present in population databases (rs754119942, gnomAD 0.02%). This variant has not been reported in the literature in individuals affected with GLDC-related conditions. ClinVar contains an entry for this variant (Variation ID: 531770). Advanced modeling of protein sequence and biophysical properties (such as structural, functional, and spatial information, amino acid conservation, physicochemical variation, residue mobility, and thermodynamic stability) performed at Invitae indicates that this missense variant is not expected to disrupt GLDC protein function. In summary, the available evidence is currently insufficient to determine the role of this variant in disease. Therefore, it has been classified as a Variant of Uncertain Significance.

Natera, Inc.
Classification: Uncertain significance for Non-ketotic hyperglycinemia. Last evaluated: 2019-10-28. Review status: no assertion criteria provided. Collection method: clinical testing. Allele origin: germline. Not counted in ClinVar's aggregate classification.

NM_000170.3(GLDC):c.1517G>C (p.Arg506Thr)

Gene: GLDC (glycine decarboxylase; minus strand). Cytogenetic location: 9p24.1.
Variant type: single nucleotide variant.
Coding change: c.1517G>C on transcript NM_000170.3 (MANE Select); coding-DNA position 1517, G replaced by C.
Protein change: p.Arg506Thr; replaces arginine 506 with threonine.
Molecular consequence: missense variant.
Genome position (GRCh38, 1-based): chr9:6,589,258, C>G on the plus strand (G>C on the coding strand, the complement: GLDC is on the minus strand). VCF-style: chr9-6589258-C-G. GRCh37 (hg19) VCF-style: chr9-6589258-C-G.
Other names: short protein forms R506T.
Identifiers: ClinVar variation 531770 (VCV000531770.7), dbSNP rs754119942, ClinGen allele CA4980668.